The following is an entry in ClinVar:

NM_030962.4(SBF2):c.1214C>G (p.Thr405Ser)

Gene: SBF2 (SET binding factor 2; minus strand). Cytogenetic location: 11p15.4.
Variant type: single nucleotide variant.
Coding change: c.1214C>G on transcript NM_030962.4 (MANE Select); coding-DNA position 1214, C replaced by G.
Protein change: p.Thr405Ser; replaces threonine 405 with serine.
Molecular consequence: missense variant. On other transcripts: intron variant (1).
Genome position (GRCh38, 1-based): chr11:9,992,497, G>C on the plus strand (C>G on the coding strand, the complement: SBF2 is on the minus strand). VCF-style: chr11-9992497-G-C. GRCh37 (hg19) VCF-style: chr11-10014044-G-C.
Other names: c.1214C>G, p.Thr405Ser (NM_001386339.1); c.1167+493C>G (NM_001386342.1); short protein forms T405S.
Identifiers: ClinVar variation 1059825 (VCV001059825.7), dbSNP rs2134469840, ClinGen allele CA379636909.
Genomic context (GRCh38, chr11:9,992,497, plus strand): 5'-CTATAAGGAGGACCTCTTTCTGAAACAAAACCTGCAAATGCCATTCCACTGAGTACTTTA[G>C]TGAGGAAATCATTCTCGACCAAACCACGCTGCCCCAAGAATGCTGTCTGTGAAAAAAGAA-3'
Protein context (NP_112224.1, residues 395-415): QRGLVENDFL[Thr405Ser]KVLSGMAFAG

ClinVar aggregate classification (germline): Uncertain significance (1 of 4 stars; one submission).

Conditions:
Charcot-Marie-Tooth disease type 4. Also called: Charcot-Marie-Tooth, Type 4; Charcot-Marie-Tooth disease, type IV. Identifiers: Orphanet 64749, MedGen C4082197, MONDO:0018995.

Allele frequency attached by ClinVar (database versions not stated): gnomAD exomes below 0.00001.
gnomAD v4.1: 1 of 1,613,262 alleles (0.000062%); highest among the groups gnomAD compares: Admixed American, 0.0017%; no homozygotes.

Submission:

Labcorp Genetics (formerly Invitae), Labcorp
Classification: Uncertain significance for Charcot-Marie-Tooth disease type 4. Last evaluated: 2021-12-17. Review status: criteria provided, single submitter. Criteria: Invitae Variant Classification Sherloc (09022015). Collection method: clinical testing. Allele origin: germline.
Comment: In summary, the available evidence is currently insufficient to determine the role of this variant in disease. Therefore, it has been classified as a Variant of Uncertain Significance. Algorithms developed to predict the effect of missense changes on protein structure and function (SIFT, PolyPhen-2, Align-GVGD) all suggest that this variant is likely to be tolerated. ClinVar contains an entry for this variant (Variation ID: 1059825). This variant has not been reported in the literature in individuals affected with SBF2-related conditions. This variant is not present in population databases (gnomAD no frequency). This sequence change replaces threonine, which is neutral and polar, with serine, which is neutral and polar, at codon 405 of the SBF2 protein (p.Thr405Ser).